The following is an entry in ClinVar:

ClinVar aggregate classification (germline): Uncertain significance (1 of 4 stars; one submission).

Conditions:
Familial adenomatous polyposis 1 (FAP1). Also called: FAMILIAL ADENOMATOUS POLYPOSIS 1, ATTENUATED; POLYPOSIS, ADENOMATOUS INTESTINAL. Identifiers: MedGen C2713442, MONDO:0021056, OMIM 175100. Disease mechanism: loss of function.

Allele frequency attached by ClinVar (database versions not stated): TOPMed below 0.00001.

Submission:

Labcorp Genetics (formerly Invitae), Labcorp
Classification: Uncertain significance for Familial adenomatous polyposis 1. Last evaluated: 2025-01-21. Review status: criteria provided, single submitter. Criteria: Invitae Variant Classification Sherloc (09022015). Collection method: clinical testing. Allele origin: germline.
Comment: This variant occurs in a non-coding region of the APC gene. It does not change the encoded amino acid sequence of the APC protein. This variant is not present in population databases (gnomAD no frequency). This variant has not been reported in the literature in individuals affected with APC-related conditions. ClinVar contains an entry for this variant (Variation ID: 647832). Experimental studies and prediction algorithms are not available or were not evaluated, and the functional significance of this variant is currently unknown. In summary, the available evidence is currently insufficient to determine the role of this variant in disease. Therefore, it has been classified as a Variant of Uncertain Significance.

NC_000005.10:g.112707342T>C

Gene: APC (APC regulator of Wnt signaling pathway; plus strand). Cytogenetic location: 5q22.2.
Variant type: single nucleotide variant.
Genome position: GRCh38 VCF-style: chr5-112707342-T-C. GRCh37 (hg19) VCF-style: chr5-112043039-T-C.
Identifiers: ClinVar variation 647832 (VCV000647832.9), dbSNP rs1580995288, ClinGen allele CA915943564.